The following is an entry in ClinVar:

NM_001083962.2(TCF4):c.1505_1518del (p.Gln502fs)

Gene: TCF4 (transcription factor 4; minus strand). Cytogenetic location: 18q21.2.
Variant type: Deletion.
Coding change: c.1505_1518del on transcript NM_001083962.2 (MANE Select); coding-DNA positions 1505 to 1518, 14 bases deleted (AGGGGCAGAGTGTC).
Protein change: p.Gln502fs; shifts the reading frame from glutamine 502.
Molecular consequence: frameshift variant.
Genome position (GRCh38, 1-based): chr18:55,232,640-55,232,653, GACACTCTGCCCCT deleted on the plus strand (AGGGGCAGAGTGTC on the coding strand, the reverse complement: TCF4 is on the minus strand); deleting any 14 consecutive bases within chr18:55,232,640-55,232,654 gives the same sequence; the c. name uses the placement nearest the transcript's 3' end. VCF-style (leftmost placement, unchanged base first): chr18-55232639-AGACACTCTGCCCCT-A. GRCh37 (hg19) VCF-style: chr18-52899870-AGACACTCTGCCCCT-A.
Other names: c.1811_1824del, p.Gln604fs (NM_001243226.3); c.1433_1446del, p.Gln478fs (NM_001243227.2, NM_001306207.1, NM_001348217.1 and 5 more transcripts); c.1523_1536del, p.Gln508fs (NM_001243228.2); c.1496_1509del, p.Gln499fs (NM_001243230.2); c.1379_1392del, p.Gln460fs (NM_001243231.2, NM_001348211.2); c.1292_1305del, p.Gln431fs (NM_001243232.1, NM_001306208.1); c.1115_1128del, p.Gln372fs (NM_001243233.2, NM_001330605.3, NM_001348212.2 and 1 more transcripts); c.1025_1038del, p.Gln342fs (NM_001243234.2, NM_001243235.2, NM_001243236.2 and 1 more transcripts); and 6 more; short protein forms Q431fs, Q478fs, Q501fs, Q502fs, Q508fs, Q499fs, Q460fs, Q604fs.
Identifiers: ClinVar variation 207543 (VCV000207543.1), dbSNP rs796053427, ClinGen allele CA319119.

ClinVar aggregate classification (germline): Pathogenic (1 of 4 stars; one submission).

Submission:

GeneDx
Classification: Pathogenic. Last evaluated: 2014-07-30. Review status: criteria provided, single submitter. Criteria: GeneDx Variant Classification (06012015). Collection method: clinical testing. Allele origin: germline. Affected: yes.
Comment: c.1505_1518delAGGGGCAGAGTGTC: p.Gln502LeufsX6 (Q502LfsX6) in exon 17 of the TCF4 gene (NM_001083962.1) The normal sequence with the bases that are deleted in braces is: CTAC{AGGGGCAGAGTGTC}TCCT. The c.1505_1518delAGGGGCAGAGTGTC mutation in the TCF4 gene causes a frameshift starting with codon Glutamine 502, changes this amino acid to a Leucine residue and creates a premature Stop codon at position 6 of the new reading frame, denoted p.Gln502LeufsX6. This mutation is predicted to cause loss of normal protein function either through protein truncation or nonsense-mediated mRNA decay.The variant is found in RETT-EPI panel(s).